The following is an entry in ClinVar:

NM_000392.5(ABCC2):c.1031+5G>A

Gene: ABCC2 (ATP binding cassette subfamily C member 2; plus strand). Cytogenetic location: 10q24.2.
Variant type: single nucleotide variant.
Coding change: c.1031+5G>A on transcript NM_000392.5 (MANE Select); 5 bases into the intron after coding-DNA position 1031, G replaced by A.
Molecular consequence: intron variant.
Genome position (GRCh38, 1-based): chr10:99,799,375, G>A. VCF-style: chr10-99799375-G-A. GRCh37 (hg19) VCF-style: chr10-101559132-G-A.
Identifiers: ClinVar variation 4706246 (VCV004706246.1).

ClinVar aggregate classification (germline): Uncertain significance (1 of 4 stars; one submission).

gnomAD v4.1: 1 of 1,614,070 alleles (0.000062%); highest among the groups gnomAD compares: Admixed American, 0.0017%; no homozygotes.

Submission:

Labcorp Genetics (formerly Invitae), Labcorp
Classification: Uncertain significance. Last evaluated: 2026-01-21. Review status: criteria provided, single submitter. Criteria: Invitae Variant Classification Sherloc (09022015). Collection method: clinical testing. Allele origin: germline.
Comment: This sequence change falls in intron 8 of the ABCC2 gene. It does not directly change the encoded amino acid sequence of the ABCC2 protein. It affects a nucleotide within the consensus splice site. This variant is present in population databases (no rsID available, gnomAD 0.003%). This variant has not been reported in the literature in individuals affected with ABCC2-related conditions. Variants that disrupt the consensus splice site are a relatively common cause of aberrant splicing (PMID: 17576681, 9536098). Algorithms developed to predict the effect of sequence changes on RNA splicing suggest that this variant may disrupt the consensus splice site. In summary, the available evidence is currently insufficient to determine the role of this variant in disease. Therefore, it has been classified as a Variant of Uncertain Significance.

Literature cited by the submitters: PubMed 17576681; PubMed 9536098.